The following is an entry in ClinVar:

ClinVar aggregate classification (germline): Uncertain significance (1 of 4 stars; one submission).

Allele frequency attached by ClinVar (database versions not stated): gnomAD exomes below 0.00001; TOPMed below 0.00001.
gnomAD v4.1: 1 of 1,613,794 alleles (0.000062%); highest among the groups gnomAD compares: Non-Finnish European, 0.000085%; no homozygotes.

Submission:

Labcorp Genetics (formerly Invitae), Labcorp
Classification: Uncertain significance. Last evaluated: 2023-08-14. Review status: criteria provided, single submitter. Criteria: Invitae Variant Classification Sherloc (09022015). Collection method: clinical testing. Allele origin: germline.
Comment: In summary, the available evidence is currently insufficient to determine the role of this variant in disease. Therefore, it has been classified as a Variant of Uncertain Significance. An algorithm developed to predict the effect of missense changes on protein structure and function (PolyPhen-2) suggests that this variant is likely to be disruptive. This variant has not been reported in the literature in individuals affected with MACF1-related conditions. This variant is not present in population databases (gnomAD no frequency). This sequence change replaces threonine, which is neutral and polar, with isoleucine, which is neutral and non-polar, at codon 4190 of the MACF1 protein (p.Thr4190Ile).

NM_001394062.1(MACF1):c.18746C>T (p.Thr6249Ile)

Gene: MACF1 (microtubule actin crosslinking factor 1; plus strand). Cytogenetic location: 1p34.3.
Variant type: single nucleotide variant.
Coding change: c.18746C>T on transcript NM_001394062.1 (MANE Select); coding-DNA position 18746, C replaced by T.
Protein change: p.Thr6249Ile; replaces threonine 6249 with isoleucine.
Molecular consequence: missense variant.
Genome position (GRCh38, 1-based): chr1:39,442,025, C>T. VCF-style: chr1-39442025-C-T. GRCh37 (hg19) VCF-style: chr1-39907697-C-T.
Other names: c.6824C>T, p.Thr2275Ile (NM_001397473.1); c.12569C>T, p.Thr4190Ile (NM_012090.5); short protein forms T2275I, T4190I, T6249I.
Identifiers: ClinVar variation 2752385 (VCV002752385.3), dbSNP rs1418126160, ClinGen allele CA339811509.